The following is an entry in ClinVar:

NM_001985.3(ETFB):c.520C>T (p.Arg174Cys)

Gene: ETFB (electron transfer flavoprotein subunit beta; minus strand). Cytogenetic location: 19q13.41.
Variant type: single nucleotide variant.
Coding change: c.520C>T on transcript NM_001985.3 (MANE Select); coding-DNA position 520, C replaced by T.
Protein change: p.Arg174Cys; replaces arginine 174 with cysteine.
Molecular consequence: missense variant.
Genome position (GRCh38, 1-based): chr19:51,346,977, G>A on the plus strand (C>T on the coding strand, the complement: ETFB is on the minus strand). VCF-style: chr19-51346977-G-A. GRCh37 (hg19) VCF-style: chr19-51850231-G-A.
Other names: c.520C>T (NM_001985.2); c.793C>T, p.Arg265Cys (NM_001014763.1); short protein forms R174C, R265C.
Identifiers: ClinVar variation 2072704 (VCV002072704.3), dbSNP rs755539437, ClinGen allele CA9610725.

ClinVar aggregate classification (germline): Uncertain significance. Review status: criteria provided, multiple submitters, no conflicts (2 of 4 stars). 3 submissions from 3 submitters: Uncertain significance (3). Last evaluated 2025-08-26.

Conditions:
Inborn genetic diseases. Identifiers: MedGen C0950123, MeSH D030342.
Multiple acyl-CoA dehydrogenase deficiency (MADD). Also called: ETHYLMALONIC-ADIPICACIDURIA; GA II; Glutaric acidemia type II; GA 2; Glutaric aciduria, type 2; Glutaric Acidemia type 2. Identifiers: Orphanet 26791, MedGen C0268596, MONDO:0009282, OMIM 231680.
ETFB-related disorder. Also called: ETFB-related condition.

Allele frequency attached by ClinVar (database versions not stated): TOPMed below 0.00001; gnomAD 0.00001; gnomAD exomes 0.00002; ExAC 0.00003.
gnomAD v4.1: 23 of 1,608,766 alleles (0.0014%); highest among the groups gnomAD compares: Non-Finnish European, 0.0017%; no homozygotes.

Submissions (3):

Ambry Genetics
Classification: Uncertain significance for Inborn genetic diseases. Last evaluated: 2025-08-26. Review status: criteria provided, single submitter. Criteria: Ambry Variant Classification Scheme 2023. Collection method: clinical testing. Allele origin: germline.

PreventionGenetics, part of Exact Sciences
Classification: Uncertain significance for ETFB-related condition. Last evaluated: 2023-02-07. Review status: criteria provided, single submitter. Criteria: ACMG Guidelines, 2015. Collection method: clinical testing. Allele origin: germline.
Comment: The ETFB c.520C>T variant is predicted to result in the amino acid substitution p.Arg174Cys. To our knowledge, this variant has not been reported in the literature. This variant is reported in 0.0018% of alleles in individuals of European (Non-Finnish) descent in gnomAD. At this time, the clinical significance of this variant is uncertain due to the absence of conclusive functional and genetic evidence.

Labcorp Genetics (formerly Invitae), Labcorp
Classification: Uncertain significance for Multiple acyl-CoA dehydrogenase deficiency. Last evaluated: 2022-05-25. Review status: criteria provided, single submitter. Criteria: Invitae Variant Classification Sherloc (09022015). Collection method: clinical testing. Allele origin: germline.
Comment: This sequence change replaces arginine, which is basic and polar, with cysteine, which is neutral and slightly polar, at codon 174 of the ETFB protein (p.Arg174Cys). The frequency data for this variant in the population databases is considered unreliable, as metrics indicate poor data quality at this position in the gnomAD database. This variant has not been reported in the literature in individuals affected with ETFB-related conditions. Algorithms developed to predict the effect of missense changes on protein structure and function are either unavailable or do not agree on the potential impact of this missense change (SIFT: "Deleterious"; PolyPhen-2: "Possibly Damaging"; Align-GVGD: "Class C15"). In summary, the available evidence is currently insufficient to determine the role of this variant in disease. Therefore, it has been classified as a Variant of Uncertain Significance.